The following is an entry in ClinVar:

ClinVar aggregate classification (germline): Uncertain significance (1 of 4 stars; one submission).

Conditions:
Hereditary cancer-predisposing syndrome. Also called: Neoplastic Syndromes, Hereditary; Tumor predisposition; Hereditary Cancer Syndrome; Hereditary neoplastic syndrome. Identifiers: Orphanet 140162, MedGen C0027672, MeSH D009386, MONDO:0015356.

Submission:

Ambry Genetics
Classification: Uncertain significance for Hereditary cancer-predisposing syndrome. Last evaluated: 2022-09-13. Review status: criteria provided, single submitter. Criteria: Ambry Variant Classification Scheme 2023. Collection method: clinical testing. Allele origin: germline.
Comment: The p.G74R variant (also known as c.220G>C), located in coding exon 1 of the MSH6 gene, results from a G to C substitution at nucleotide position 220. The glycine at codon 74 is replaced by arginine, an amino acid with dissimilar properties. This amino acid position is well conserved in available vertebrate species; however, arginine is the reference amino acid in other vertebrate species. In addition, this alteration is predicted to be tolerated by in silico analysis. Since supporting evidence is limited at this time, the clinical significance of this alteration remains unclear.

NM_000179.3(MSH6):c.220G>C (p.Gly74Arg)

Gene: MSH6 (mutS homolog 6; plus strand). Cytogenetic location: 2p16.3.
Variant type: single nucleotide variant.
Coding change: c.220G>C on transcript NM_000179.3 (MANE Select); coding-DNA position 220, G replaced by C.
Protein change: p.Gly74Arg; replaces glycine 74 with arginine.
Molecular consequence: missense variant. On other transcripts: 5 prime UTR variant (1), synonymous variant (1).
Genome position (GRCh38, 1-based): chr2:47,783,453, G>C. VCF-style: chr2-47783453-G-C. GRCh37 (hg19) VCF-style: chr2-48010592-G-C.
Other names: c.220G>C, p.Gly74Arg (NM_001281492.2, NM_001406795.1, NM_001406796.1 and 9 more transcripts); c.-517G>C (NM_001281493.2, NM_001406811.1); c.-109G>C (NM_001406799.1); c.165G>C, p.Thr55= (NM_001406804.1); c.-709G>C (NM_001406807.1); c.-364G>C (NM_001406812.1); c.-775G>C (NM_001406814.1); c.-320G>C (NM_001406816.1); short protein forms G74R.
Identifiers: ClinVar variation 1787747 (VCV001787747.2), dbSNP rs1553408388, ClinGen allele CA346735084.